The following is an entry in ClinVar:

NM_080425.4(GNAS):c.195C>T (p.Gly65=)

Gene: GNAS (GNAS complex locus; plus strand). Cytogenetic location: 20q13.32.
Variant type: single nucleotide variant.
Coding change: c.195C>T on transcript NM_080425.4 (MANE Plus Clinical); coding-DNA position 195, C replaced by T.
Protein change: p.Gly65=; no amino-acid change (glycine 65 retained).
Molecular consequence: synonymous variant. On other transcripts: missense variant (2), intron variant (3).
Genome position (GRCh38, 1-based): chr20:58,853,460, C>T. VCF-style: chr20-58853460-C-T. GRCh37 (hg19) VCF-style: chr20-57428515-C-T.
Other names: c.8C>T, p.Ala3Val (NM_001077490.3, NM_001309883.1); c.195C>T, p.Gly65= (NM_001410913.1); c.*42+12574C>T (NM_016592.5); c.43+12574C>T (NM_001410912.1); c.-39+11585C>T (NM_001309861.2); short protein forms A3V.
Identifiers: ClinVar variation 3033293 (VCV003033293.2), dbSNP rs750264533, ClinGen allele CA316341281.

ClinVar aggregate classification (germline): Uncertain significance. Review status: criteria provided, single submitter (1 of 4 stars). 2 submissions from 2 submitters: Uncertain significance (1). 1 of the submissions does not count toward it. Last evaluated 2023-10-09.

Conditions:
GNAS-related disorder. Identifiers: MedGen CN380105.

Allele frequency attached by ClinVar (database versions not stated): gnomAD 0.00003.
gnomAD v4.1: 17 of 1,611,708 alleles (0.0011%); highest among the groups gnomAD compares: Admixed American, 0.0084%; no homozygotes.

Submissions (2):

GeneDx
Classification: Uncertain significance. Last evaluated: 2023-10-09. Review status: criteria provided, single submitter. Criteria: GeneDx Variant Classification Process June 2021. Collection method: clinical testing. Allele origin: germline. Affected: yes.
Comment: In silico analysis supports that this missense variant does not alter protein structure/function; In silico analysis suggests this variant may impact gene splicing. In the absence of RNA/functional studies, the actual effect of this sequence change is unknown.; Reported using an alternate transcript of the gene; Has not been previously published as pathogenic or benign to our knowledge

PreventionGenetics, part of Exact Sciences
Classification: Likely benign for GNAS-related condition. Last evaluated: 2023-08-23. Review status: no assertion criteria provided. Collection method: clinical testing. Allele origin: germline. Not counted in ClinVar's aggregate classification.
Comment: This variant is classified as likely benign based on ACMG/AMP sequence variant interpretation guidelines (Richards et al. 2015 PMID: 25741868, with internal and published modifications).